The following is an entry in ClinVar:

ClinVar aggregate classification (germline): Uncertain significance. Review status: criteria provided, single submitter (1 of 4 stars). 2 submissions from 2 submitters: Uncertain significance (1). 1 of the submissions does not count toward it. Last evaluated 2025-10-19.

Conditions:
NAF1-related disorder. Also called: NAF1-related condition.

Submissions (3):

Labcorp Genetics (formerly Invitae), Labcorp
Classification: Uncertain significance. Last evaluated: 2025-10-19. Review status: criteria provided, single submitter. Criteria: Invitae Variant Classification Sherloc (09022015). Collection method: clinical testing. Allele origin: germline.
Comment: This sequence change replaces aspartic acid, which is acidic and polar, with glycine, which is neutral and non-polar, at codon 175 of the NAF1 protein (p.Asp175Gly). This variant is present in population databases (rs375323971, gnomAD 0.005%). This variant has not been reported in the literature in individuals affected with NAF1-related conditions. ClinVar contains an entry for this variant (Variation ID: 3352479). An algorithm developed to predict the effect of missense changes on protein structure and function (PolyPhen-2) suggests that this variant is likely to be tolerated. Algorithms developed to predict the effect of sequence changes on RNA splicing suggest that this variant may create or strengthen a splice site. In summary, the available evidence is currently insufficient to determine the role of this variant in disease. Therefore, it has been classified as a Variant of Uncertain Significance.

PreventionGenetics, part of Exact Sciences
Classification: Uncertain significance for NAF1-related condition. Last evaluated: 2024-05-20. Review status: no assertion criteria provided. Collection method: clinical testing. Allele origin: germline. Not counted in ClinVar's aggregate classification.
Comment: The NAF1 c.524A>G variant is predicted to result in the amino acid substitution p.Asp175Gly. To our knowledge, this variant has not been reported in the literature. This variant is reported in 0.0045% of alleles in individuals of European (Non-Finnish) descent in gnomAD. At this time, the clinical significance of this variant is uncertain due to the absence of conclusive functional and genetic evidence.

Dr. Peter K. Rogan Lab, Western University
No classification provided (evidence only). Condition: Colorectal cancer. Review status: no classification provided. Collection method: in vitro. Allele origin: not applicable. Functional consequence: retained intron. Not counted in ClinVar's aggregate classification.

NM_138386.3(NAF1):c.524A>G (p.Asp175Gly)

Gene: NAF1 (nuclear assembly factor 1 ribonucleoprotein; minus strand). Cytogenetic location: 4q32.2.
Variant type: single nucleotide variant.
Coding change: c.524A>G on transcript NM_138386.3 (MANE Select); coding-DNA position 524, A replaced by G.
Protein change: p.Asp175Gly; replaces aspartic acid 175 with glycine.
Molecular consequence: missense variant.
Genome position (GRCh38, 1-based): chr4:163,164,233, T>C on the plus strand (A>G on the coding strand, the complement: NAF1 is on the minus strand). VCF-style: chr4-163164233-T-C. GRCh37 (hg19) VCF-style: chr4-164085385-T-C.
Other names: NC_000004.11:g.164085385T>C; c.524A>G, p.Asp175Gly (NM_001128931.2); short protein forms D175G.
Identifiers: ClinVar variation 3352479 (VCV003352479.3).